The following is an entry in ClinVar:

NM_005476.7(GNE):c.185A>C (p.Glu62Ala)

Gene: GNE (glucosamine (UDP-N-acetyl)-2-epimerase/N-acetylmannosamine kinase; minus strand). Cytogenetic location: 9p13.3.
Variant type: single nucleotide variant.
Coding change: c.185A>C on transcript NM_005476.7 (MANE Select); coding-DNA position 185, A replaced by C.
Protein change: p.Glu62Ala; replaces glutamic acid 62 with alanine.
Molecular consequence: missense variant.
Genome position (GRCh38, 1-based): chr9:36,246,462, T>G on the plus strand (A>C on the coding strand, the complement: GNE is on the minus strand). VCF-style: chr9-36246462-T-G. GRCh37 (hg19) VCF-style: chr9-36246459-T-G.
Other names: c.278A>C, p.Glu93Ala (NM_001128227.3); c.185A>C, p.Glu62Ala (NM_001190383.3, NM_001374797.1); c.8A>C, p.Glu3Ala (NM_001190384.3, NM_001190388.2, NM_001374798.1); short protein forms E93A, E3A, E62A.
Identifiers: ClinVar variation 1466372 (VCV001466372.8), dbSNP rs2133114144, ClinGen allele CA373419972.

ClinVar aggregate classification (germline): Uncertain significance (1 of 4 stars; one submission).

Conditions:
GNE myopathy (NM). Also called: MYOPATHY, DISTAL, WITH OR WITHOUT RIMMED VACUOLES; IBM 2; Inclusion body myopathy autosomal recessive; Inclusion body myopathy quadriceps sparing; NONAKA DISTAL MYOPATHY; INCLUSION BODY MYOPATHY, HEREDITARY, AUTOSOMAL RECESSIVE. Identifiers: Orphanet 602, MedGen C1853926, MONDO:0011603, OMIM 605820.
Sialuria. Also called: Sialic Acid Storage Disease; SIALURIA, FRENCH TYPE. Identifiers: Orphanet 3166, MedGen C0342853, MONDO:0010028, OMIM 269921.

Submission:

Labcorp Genetics (formerly Invitae), Labcorp
Classification: Uncertain significance for Sialuria; GNE myopathy. Last evaluated: 2021-05-18. Review status: criteria provided, single submitter. Criteria: Invitae Variant Classification Sherloc (09022015). Collection method: clinical testing. Allele origin: germline.
Comment: Advanced modeling of protein sequence and biophysical properties (such as structural, functional, and spatial information, amino acid conservation, physicochemical variation, residue mobility, and thermodynamic stability) performed at Invitae indicates that this missense variant is expected to disrupt GNE protein function. In summary, the available evidence is currently insufficient to determine the role of this variant in disease. Therefore, it has been classified as a Variant of Uncertain Significance. This variant has not been reported in the literature in individuals with GNE-related conditions. This variant is not present in population databases (ExAC no frequency). This sequence change replaces glutamic acid with alanine at codon 93 of the GNE protein (p.Glu93Ala). The glutamic acid residue is highly conserved and there is a moderate physicochemical difference between glutamic acid and alanine.